The following is an entry in ClinVar:

NM_001373.1:c.10474C>T

Gene: DNAH14 (dynein axonemal heavy chain 14; plus strand).
Variant type: single nucleotide variant.
Identifiers: ClinVar variation 4538041 (VCV004538041.1).

ClinVar aggregate classification (germline): Uncertain significance (1 of 4 stars; one submission).

Submission:

GeneDx
Classification: Uncertain significance. Last evaluated: 2025-06-11. Review status: criteria provided, single submitter. Criteria: GeneDx Variant Classification Process June 2021. Collection method: clinical testing. Allele origin: germline. Affected: yes.
Comment: In silico analysis supports that this missense variant has a deleterious effect on protein structure/function; In silico analysis is inconclusive as to whether the variant alters gene splicing. In the absence of RNA/functional studies, the actual effect of this sequence change is unknown.; Has not been previously published as pathogenic or benign to our knowledge